The following is an entry in ClinVar:

ClinVar aggregate classification (germline): Likely pathogenic (1 of 4 stars; one submission).

Conditions:
Spermatogenic failure 40. Identifiers: MedGen C5231451, MONDO:0032859, OMIM 618664.

Submission:

First Genomix Gene Laboratory, Genetic Diagnostics Department
Classification: Likely pathogenic for Spermatogenic failure 40. Last evaluated: 2025-08-05. Review status: criteria provided, single submitter. Criteria: ACMG Guidelines, 2015. Collection method: clinical testing. Allele origin: germline. Inheritance: Autosomal recessive inheritance. Affected: no. Observed: 1 variant allele.

NM_194302.4(CFAP65):c.4349_4350del (p.Ile1450fs)

Genes: CFAP65 (cilia and flagella associated protein 65; minus strand), CFAP65-AS1 (CFAP65 antisense RNA 1; plus strand). Cytogenetic location: 2q35.
Variant type: Deletion.
Coding change: c.4349_4350del on transcript NM_194302.4 (MANE Select); coding-DNA positions 4349 to 4350, 2 bases deleted (TA; older notation c.4349_4350delTA).
Protein change: p.Ile1450fs; shifts the reading frame from isoleucine 1450.
Molecular consequence: frameshift variant.
Genome position (GRCh38, 1-based): chr2:219,010,044-219,010,045, TA deleted on the plus strand (TA on the coding strand, the reverse complement: CFAP65 is on the minus strand); deleting any 2 consecutive bases within chr2:219,010,044-219,010,046 gives the same sequence; the c. name uses the placement nearest the transcript's 3' end. VCF-style (leftmost placement, unchanged base first): chr2-219010043-GTA-G. GRCh37 (hg19) VCF-style: chr2-219874765-GTA-G.
Other names: c.4349_4350delTA (NM_194302.4); short protein forms I1450fs.
Identifiers: ClinVar variation 4850592 (VCV004850592.1).